The following is an entry in ClinVar:

NM_001739.2(CA5A):c.497A>G (p.Asn166Ser)

Gene: CA5A (carbonic anhydrase 5A; minus strand). Cytogenetic location: 16q24.2.
Variant type: single nucleotide variant.
Coding change: c.497A>G on transcript NM_001739.2 (MANE Select); coding-DNA position 497, A replaced by G.
Protein change: p.Asn166Ser; replaces asparagine 166 with serine.
Molecular consequence: missense variant. On other transcripts: non-coding transcript variant (2).
Genome position (GRCh38, 1-based): chr16:87,902,483, T>C on the plus strand (A>G on the coding strand, the complement: CA5A is on the minus strand). VCF-style: chr16-87902483-T-C. GRCh37 (hg19) VCF-style: chr16-87936089-T-C.
Other names: c.497A>G, p.Asn166Ser (NM_001367225.1); short protein forms N166S.
Identifiers: ClinVar variation 2053778 (VCV002053778.5), dbSNP rs369629290, ClinGen allele CA8223452.

ClinVar aggregate classification (germline): Conflicting classifications of pathogenicity. Review status: criteria provided, conflicting classifications (1 of 4 stars). 2 submissions from 2 submitters: Uncertain significance (1); Likely benign (1). Last evaluated 2022-12-05.

Conditions:
Inborn genetic diseases. Identifiers: MedGen C0950123, MeSH D030342.
Hyperammonemic encephalopathy due to carbonic anhydrase VA deficiency. Also called: Carbonic Anhydrase VA Deficiency; Carbonic anhydrase VA deficiency, hyperammonemia due to. Identifiers: Orphanet 401948, MedGen C4706871, MONDO:0014332, OMIM 615751.

Allele frequency attached by ClinVar (database versions not stated): gnomAD 0.00005; ExAC 0.00006; TOPMed 0.00006; 1000 Genomes Project 0.00020; 1000 Genomes Project 30x 0.00031.
gnomAD v4.1: 33 of 1,611,624 alleles (0.002%); highest among the groups gnomAD compares: East Asian, 0.04%; no homozygotes.

Submissions (2):

Ambry Genetics
Classification: Likely benign for Inborn genetic diseases. Last evaluated: 2022-12-05. Review status: criteria provided, single submitter. Criteria: Ambry Variant Classification Scheme 2023. Collection method: clinical testing. Allele origin: germline.

Labcorp Genetics (formerly Invitae), Labcorp
Classification: Uncertain significance for Hyperammonemic encephalopathy due to carbonic anhydrase VA deficiency. Last evaluated: 2022-01-01. Review status: criteria provided, single submitter. Criteria: Invitae Variant Classification Sherloc (09022015). Collection method: clinical testing. Allele origin: germline.
Comment: In summary, the available evidence is currently insufficient to determine the role of this variant in disease. Therefore, it has been classified as a Variant of Uncertain Significance. Algorithms developed to predict the effect of missense changes on protein structure and function output the following: SIFT: "Tolerated"; PolyPhen-2: "Benign"; Align-GVGD: "Class C0". The serine amino acid residue is found in multiple mammalian species, which suggests that this missense change does not adversely affect protein function. This variant has not been reported in the literature in individuals affected with CA5A-related conditions. This variant is present in population databases (rs369629290, gnomAD 0.1%). This sequence change replaces asparagine, which is neutral and polar, with serine, which is neutral and polar, at codon 166 of the CA5A protein (p.Asn166Ser).